The following is an entry in ClinVar:

ClinVar aggregate classification (germline): Conflicting classifications of pathogenicity. Review status: criteria provided, conflicting classifications (1 of 4 stars). 2 submissions from 2 submitters: Uncertain significance (1); Likely benign (1). Last evaluated 2025-05-08.

Conditions:
Hereditary cancer-predisposing syndrome. Also called: Neoplastic Syndromes, Hereditary; Tumor predisposition; Hereditary Cancer Syndrome; Hereditary neoplastic syndrome. Identifiers: Orphanet 140162, MedGen C0027672, MeSH D009386, MONDO:0015356.

Submissions (2):

Ambry Genetics
Classification: Likely benign for Hereditary cancer-predisposing syndrome. Last evaluated: 2025-05-08. Review status: criteria provided, single submitter. Criteria: Ambry Variant Classification Scheme 2023. Collection method: clinical testing. Allele origin: germline.

Color Diagnostics, LLC DBA Color Health
Classification: Uncertain significance for Hereditary cancer-predisposing syndrome. Last evaluated: 2023-12-05. Review status: criteria provided, single submitter. Criteria: ACMG Guidelines, 2015. Collection method: clinical testing. Allele origin: germline.
Comment: This missense variant replaces glycine with serine at codon 108 of the RAD51D protein. Computational prediction tools and conservation analyses are inconclusive regarding the impact of this variant on the protein function. Computational splicing tools suggest that this variant may not impact RNA splicing. To our knowledge, functional assays have not been performed for this variant nor has this variant been reported in individuals affected with hereditary cancer in the literature. This variant has not been identified in the general population by the Genome Aggregation Database (gnomAD). Available evidence is insufficient to determine the role of this variant in disease conclusively. Therefore, this variant is classified as a Variant of Uncertain Significance.

NM_002878.4(RAD51D):c.322G>A (p.Gly108Ser)

Genes: RAD51D (RAD51 paralog D; minus strand), RAD51L3-RFFL (RAD51L3-RFFL readthrough; minus strand). Cytogenetic location: 17q12.
Variant type: single nucleotide variant.
Coding change: c.322G>A on transcript NM_002878.4 (MANE Select); coding-DNA position 322, G replaced by A.
Protein change: p.Gly108Ser; replaces glycine 108 with serine.
Molecular consequence: missense variant. On other transcripts: non-coding transcript variant (2), intron variant (1).
Genome position (GRCh38, 1-based): chr17:35,107,389, C>T on the plus strand (G>A on the coding strand, the complement: RAD51D is on the minus strand). VCF-style: chr17-35107389-C-T. GRCh37 (hg19) VCF-style: chr17-33434408-C-T.
Other names: c.382G>A, p.Gly128Ser (NM_001142571.2); c.145-908G>A (NM_133629.3); short protein forms G108S, G128S.
Identifiers: ClinVar variation 922372 (VCV000922372.6), dbSNP rs2091620571, ClinGen allele CA399089924.
Genomic context (GRCh38, chr17:35,107,389, plus strand): 5'-ACCCCTAAATCCTCCTGACTGCTGGCCTCACATGTACCTGAGTTTTGCCGCTACCTGGGC[C>T]TCCTACAATTTCAGTCACTTCTCCAGTATAGAGACCAGCATCAAGCAGTTTATCAAGACT-3'
Protein context (NP_002869.3, residues 98-118): YTGEVTEIVG[Gly108Ser]PGSGKTQVCL